The following is an entry in ClinVar:

ClinVar aggregate classification (germline): Uncertain significance (1 of 4 stars; one submission).

Conditions:
Lopes-Maciel-Rodan syndrome (LOMARS). Identifiers: MedGen C4479491, MONDO:0054573, OMIM 617435.

Allele frequency attached by ClinVar (database versions not stated): gnomAD exomes below 0.00001.
gnomAD v4.1: 2 of 1,611,206 alleles (0.00012%); highest among the groups gnomAD compares: South Asian, 0.0011%; no homozygotes.

Submission:

Baylor Genetics
Classification: Uncertain significance for Lopes-Maciel-Rodan syndrome. Last evaluated: 2018-03-02. Review status: criteria provided, single submitter. Criteria: ACMG Guidelines, 2015. Collection method: clinical testing. Allele origin: maternal. Affected: yes.
Comment: This variant was determined to be of uncertain significance according to ACMG Guidelines, 2015 [PMID:25741868].

NM_001388492.1(HTT):c.5226-4G>T

Gene: HTT (huntingtin; plus strand). Cytogenetic location: 4p16.3.
Variant type: single nucleotide variant.
Coding change: c.5226-4G>T on transcript NM_001388492.1 (MANE Select); 4 bases into the intron before coding-DNA position 5226, G replaced by T.
Molecular consequence: intron variant.
Genome position (GRCh38, 1-based): chr4:3,188,947, G>T. VCF-style: chr4-3188947-G-T. GRCh37 (hg19) VCF-style: chr4-3190674-G-T.
Other names: c.5226-4G>T (NM_002111.8).
Identifiers: ClinVar variation 1033482 (VCV001033482.1), dbSNP rs1718894157, ClinGen allele CA1434098150.